The following is an entry in ClinVar:

NM_002878.4(RAD51D):c.*3T>C

Genes: RAD51D (RAD51 paralog D; minus strand), RAD51L3-RFFL (RAD51L3-RFFL readthrough; minus strand). Cytogenetic location: 17q12.
Variant type: single nucleotide variant.
Coding change: c.*3T>C on transcript NM_002878.4 (MANE Select); 3 bases downstream of the stop codon, T replaced by C.
Molecular consequence: 3 prime UTR variant. On other transcripts: non-coding transcript variant (2).
Genome position (GRCh38, 1-based): chr17:35,100,950, A>G on the plus strand (T>C on the coding strand, the complement: RAD51D is on the minus strand). VCF-style: chr17-35100950-A-G. GRCh37 (hg19) VCF-style: chr17-33427969-A-G.
Other names: c.*3T>C (NM_001142571.2, NM_133629.3).
Identifiers: ClinVar variation 3903619 (VCV003903619.1).

ClinVar aggregate classification (germline): Benign (1 of 4 stars; one submission).

Conditions:
Breast-ovarian cancer, familial, susceptibility to, 4. Identifiers: Orphanet 145, MedGen C3280345, MONDO:0013669, OMIM 614291.

Submission:

Myriad Genetics, Inc.
Classification: Benign for Breast-ovarian cancer, familial, susceptibility to, 4. Last evaluated: 2025-02-25. Review status: criteria provided, single submitter. Criteria: Myriad Autosomal Dominant, Autosomal Recessive and X-Linked Classification Criteria (2023). Collection method: clinical testing. Allele origin: unknown.
Comment: This variant is considered benign. This variant occurs in the non-coding 3' untranslated region of the gene, and is not expected to impact protein function.